The following is an entry in ClinVar:

ClinVar aggregate classification (germline): Uncertain significance (1 of 4 stars; one submission).

Conditions:
Salla disease (SD). Also called: Sialuria, Finnish type; N-acetylneuraminic acid (NANA) storage disease (NSD); Infantile sialic acid storage disorder (ISSD); Less Severe FSASD (Salla Disease). Identifiers: Orphanet 309334, Orphanet 834, MedGen C1096903, MONDO:0011449, OMIM 604369.

gnomAD v4.1: 2 of 1,613,958 alleles (0.00012%); highest among the groups gnomAD compares: Non-Finnish European, 0.00017%; no homozygotes.

Submission:

Labcorp Genetics (formerly Invitae), Labcorp
Classification: Uncertain significance for Salla disease. Last evaluated: 2021-12-03. Review status: criteria provided, single submitter. Criteria: Invitae Variant Classification Sherloc (09022015). Collection method: clinical testing. Allele origin: germline.
Comment: This sequence change replaces aspartic acid, which is acidic and polar, with asparagine, which is neutral and polar, at codon 104 of the SLC17A5 protein (p.Asp104Asn). This variant is not present in population databases (gnomAD no frequency). This variant has not been reported in the literature in individuals affected with SLC17A5-related conditions. Algorithms developed to predict the effect of missense changes on protein structure and function are either unavailable or do not agree on the potential impact of this missense change (SIFT: "Deleterious"; PolyPhen-2: "Benign"; Align-GVGD: "Class C15"). In summary, the available evidence is currently insufficient to determine the role of this variant in disease. Therefore, it has been classified as a Variant of Uncertain Significance.

NM_012434.5(SLC17A5):c.310G>A (p.Asp104Asn)

Genes: SLC17A5 (solute carrier family 17 member 5; minus strand), LOC132089454 (Neanderthal introgressed variant-containing enhancer experimental_94412; plus strand). Cytogenetic location: 6q13.
Variant type: single nucleotide variant.
Coding change: c.310G>A on transcript NM_012434.5 (MANE Select); coding-DNA position 310, G replaced by A.
Protein change: p.Asp104Asn; replaces aspartic acid 104 with asparagine.
Molecular consequence: missense variant.
Genome position (GRCh38, 1-based): chr6:73,641,906, C>T on the plus strand (G>A on the coding strand, the complement: SLC17A5 is on the minus strand). VCF-style: chr6-73641906-C-T. GRCh37 (hg19) VCF-style: chr6-74351629-C-T.
Other names: c.79G>A, p.Asp27Asn (NM_001382629.1, NM_001382636.1); c.310G>A, p.Asp104Asn (NM_001382630.1, NM_001382632.1, NM_001382633.1 and 2 more transcripts); c.331G>A, p.Asp111Asn (NM_001382631.1); short protein forms D27N, D104N, D111N.
Identifiers: ClinVar variation 1389776 (VCV001389776.6), dbSNP rs2150118480, ClinGen allele CA364718346.